The following is an entry in ClinVar:

ClinVar aggregate classification (germline): Uncertain significance. Review status: criteria provided, multiple submitters, no conflicts (2 of 4 stars). 2 submissions from 2 submitters: Uncertain significance (2). Last evaluated 2018-10-31.

Conditions:
Autosomal recessive nonsyndromic hearing loss 42. Identifiers: Orphanet 90636, MedGen C1864818, MONDO:0012326, OMIM 609646.

Allele frequency attached by ClinVar (database versions not stated): gnomAD 0.00001 and 0.00002; TOPMed 0.00001; gnomAD exomes 0.00002; ExAC 0.00004; ESP Exome Variant Server 0.00008.
gnomAD v4.1: 76 of 1,614,006 alleles (0.0047%); highest among the groups gnomAD compares: Middle Eastern, 0.017%; no homozygotes.

Submissions (2):

Fulgent Genetics
Classification: Uncertain significance for Autosomal recessive nonsyndromic hearing loss 42. Last evaluated: 2018-10-31. Review status: criteria provided, single submitter. Criteria: ACMG Guidelines, 2015. Collection method: clinical testing. Allele origin: unknown.

Laboratory for Molecular Medicine, Mass General Brigham Personalized Medicine
Classification: Uncertain significance. Last evaluated: 2016-06-09. Review status: criteria provided, single submitter. Criteria: LMM Criteria. Collection method: clinical testing. Allele origin: germline. Observed: 1 variant allele.
Comment: Variant classified as Uncertain Significance - Favor Benign. The p.Arg431Cys var iant in ILDR1 has not been previously reported in individuals with hearing loss. This variant has been identified in 4/66006 European chromosomes by the Exome A ggregation Consortium (ExAC; dbSNP rs376510686); however, its frequency is not high enough to rule out a pathogenic role. Comput ational prediction tools and conservation analyses suggest that this variant may not impact the protein, though this information is not predictive enough to rul e out pathogenicity. The arginine (Arg) at position 431 is not conserved in mamm als or evolutionary distant species, raising the possibility that a change at th is position may be tolerated. In summary, while the clinical significance of the p.Arg431Cys variant is uncertain, these data suggest that it is more likely to be benign.

NM_001199799.2(ILDR1):c.1291C>T (p.Arg431Cys)

Gene: ILDR1 (immunoglobulin like domain containing receptor 1; minus strand). Cytogenetic location: 3q13.33.
Variant type: single nucleotide variant.
Coding change: c.1291C>T on transcript NM_001199799.2 (MANE Select); coding-DNA position 1291, C replaced by T.
Protein change: p.Arg431Cys; replaces arginine 431 with cysteine.
Molecular consequence: missense variant.
Genome position (GRCh38, 1-based): chr3:121,993,458, G>A on the plus strand (C>T on the coding strand, the complement: ILDR1 is on the minus strand). VCF-style: chr3-121993458-G-A. GRCh37 (hg19) VCF-style: chr3-121712305-G-A.
Other names: c.1024C>T, p.Arg342Cys (NM_001199800.2); c.1159C>T, p.Arg387Cys (NM_175924.4); short protein forms R431C, R387C, R342C.
Identifiers: ClinVar variation 504597 (VCV000504597.5), dbSNP rs376510686, ClinGen allele CA2568723.